The following is an entry in ClinVar:

ClinVar aggregate classification (germline): Conflicting classifications of pathogenicity. Review status: criteria provided, conflicting classifications (1 of 4 stars). 6 submissions from 6 submitters: Uncertain significance (5); Likely benign (1). Last evaluated 2025-11-03.

Conditions:
PMS2-related disorder. Also called: PMS2-related condition.
Hereditary nonpolyposis colorectal neoplasms. Identifiers: MedGen C0009405, MeSH D003123.
Hereditary cancer-predisposing syndrome. Also called: Neoplastic Syndromes, Hereditary; Hereditary Cancer Syndrome; Tumor predisposition; Hereditary neoplastic syndrome. Identifiers: Orphanet 140162, MedGen C0027672, MeSH D009386, MONDO:0015356.

Allele frequency attached by ClinVar (database versions not stated): gnomAD 0.00003.
gnomAD v4.1: 1 of 1,614,064 alleles (0.000062%); highest among the groups gnomAD compares: Admixed American, 0.0017%; no homozygotes.

Submissions (6):

Labcorp Genetics (formerly Invitae), Labcorp
Classification: Uncertain significance for Hereditary nonpolyposis colorectal neoplasms. Last evaluated: 2025-11-03. Review status: criteria provided, single submitter. Criteria: Invitae Variant Classification Sherloc (09022015). Collection method: clinical testing. Allele origin: germline.
Comment: This sequence change replaces proline, which is neutral and non-polar, with serine, which is neutral and polar, at codon 574 of the PMS2 protein (p.Pro574Ser). This variant is present in population databases (no rsID available, gnomAD 0.1%). This variant has not been reported in the literature in individuals affected with PMS2-related conditions. ClinVar contains an entry for this variant (Variation ID: 480301). Invitae Evidence Modeling incorporating data from in vitro experimental studies (internal data) indicates that this missense variant is not expected to disrupt PMS2 function with a negative predictive value of 95%. In summary, the available evidence is currently insufficient to determine the role of this variant in disease. Therefore, it has been classified as a Variant of Uncertain Significance.

PreventionGenetics, part of Exact Sciences
Classification: Uncertain significance for PMS2-related condition. Last evaluated: 2025-09-22. Review status: criteria provided, single submitter. Criteria: ACMG Guidelines, 2015. Collection method: clinical testing. Allele origin: germline.
Comment: The PMS2 c.1720C>T variant is predicted to result in the amino acid substitution p.Pro574Ser. To our knowledge, this variant has not been reported in the literature. This variant is reported in 0.12% of alleles in individuals of Latino descent in gnomAD and has conflicting interpretations of pathogenicity in ClinVar of uncertain significance and likely benign (Variation ID: 480301). At this time, the clinical significance of this variant is uncertain due to the absence of conclusive functional and genetic evidence.

Women's Health and Genetics/Laboratory Corporation of America, LabCorp
Classification: Uncertain significance. Last evaluated: 2024-08-30. Review status: criteria provided, single submitter. Criteria: LabCorp Variant Classification Summary - May 2015. Collection method: clinical testing. Allele origin: germline.
Comment: Variant summary: PMS2 c.1720C>T (p.Pro574Ser) results in a non-conservative amino acid change in the encoded protein sequence. Four of five in-silico tools predict a benign effect of the variant on protein function. The variant was absent in 251364 control chromosomes. The available data on variant occurrences in the general population are insufficient to allow any conclusion about variant significance. To our knowledge, no occurrence of c.1720C>T in individuals affected with Hereditary Nonpolyposis Colorectal Cancer and no experimental evidence demonstrating its impact on protein function have been reported. ClinVar contains an entry for this variant (Variation ID: 480301). Based on the evidence outlined above, the variant was classified as uncertain significance.

Color Diagnostics, LLC DBA Color Health
Classification: Uncertain significance for Hereditary cancer-predisposing syndrome. Last evaluated: 2023-12-05. Review status: criteria provided, single submitter. Criteria: ACMG Guidelines, 2015. Collection method: clinical testing. Allele origin: germline.
Comment: This missense variant replaces proline with serine at codon 574 of the PMS2 protein. Computational prediction suggests that this variant may not impact protein structure and function (internally defined REVEL score threshold <= 0.5, PMID: 27666373). To our knowledge, functional studies have not been reported for this variant. This variant has not been reported in individuals affected with PMS2-related disorders in the literature. This variant has been identified in 1/31404 chromosomes in the general population by the Genome Aggregation Database (gnomAD). The available evidence is insufficient to determine the role of this variant in disease conclusively. Therefore, this variant is classified as a Variant of Uncertain Significance.

GeneDx
Classification: Uncertain significance. Last evaluated: 2023-11-19. Review status: criteria provided, single submitter. Criteria: GeneDx Variant Classification Process June 2021. Collection method: clinical testing. Allele origin: germline. Affected: yes.
Comment: Not observed at significant frequency in large population cohorts (gnomAD); In silico analysis supports that this missense variant has a deleterious effect on protein structure/function; Has not been previously published as pathogenic or benign to our knowledge

Ambry Genetics
Classification: Likely benign for Hereditary cancer-predisposing syndrome. Last evaluated: 2018-07-27. Review status: criteria provided, single submitter. Criteria: Ambry Variant Classification Scheme 2023. Collection method: clinical testing. Allele origin: germline.

NM_000535.7(PMS2):c.1720C>T (p.Pro574Ser)

Gene: PMS2 (PMS1 homolog 2, mismatch repair system component; minus strand). Cytogenetic location: 7p22.1.
Variant type: single nucleotide variant.
Coding change: c.1720C>T on transcript NM_000535.7 (MANE Select); coding-DNA position 1720, C replaced by T.
Protein change: p.Pro574Ser; replaces proline 574 with serine.
Molecular consequence: missense variant. On other transcripts: non-coding transcript variant (1).
Genome position (GRCh38, 1-based): chr7:5,987,045, G>A on the plus strand (C>T on the coding strand, the complement: PMS2 is on the minus strand). VCF-style: chr7-5987045-G-A. GRCh37 (hg19) VCF-style: chr7-6026676-G-A.
Other names: c.1315C>T, p.Pro439Ser (NM_001322003.2, NM_001322004.2, NM_001322005.2 and 1 more transcripts); c.1564C>T, p.Pro522Ser (NM_001322006.2); c.1402C>T, p.Pro468Ser (NM_001322007.2, NM_001322008.2); c.1159C>T, p.Pro387Ser (NM_001322010.2); c.787C>T, p.Pro263Ser (NM_001322011.2, NM_001322012.2); c.1147C>T, p.Pro383Ser (NM_001322013.2); c.1720C>T, p.Pro574Ser (NM_001322014.2); c.1411C>T, p.Pro471Ser (NM_001322015.2); short protein forms P574S, P263S, P439S, P471S, P468S, P522S, P383S, P387S.
Identifiers: ClinVar variation 480301 (VCV000480301.25), dbSNP rs758018736, ClinGen allele CA366740181.